The following is an entry in ClinVar:

ClinVar aggregate classification (germline): Pathogenic (1 of 4 stars; one submission).

Conditions:
Dilated cardiomyopathy 1KK (CMD1KK). Identifiers: Orphanet 154, Orphanet 75249, MedGen C3714995, MONDO:0014100, OMIM 615248.

Allele frequency attached by ClinVar (database versions not stated): gnomAD exomes 0.00001; TOPMed below 0.00001.
gnomAD v4.1: 12 of 1,614,178 alleles (0.00074%); highest among the groups gnomAD compares: Non-Finnish European, 0.001%; no homozygotes.

Submission:

Labcorp Genetics (formerly Invitae), Labcorp
Classification: Pathogenic for Dilated cardiomyopathy 1KK. Last evaluated: 2025-08-25. Review status: criteria provided, single submitter. Criteria: Invitae Variant Classification Sherloc (09022015). Collection method: clinical testing. Allele origin: germline.
Comment: This sequence change creates a premature translational stop signal (p.Gln402*) in the MYPN gene. It is expected to result in an absent or disrupted protein product. Loss-of-function variants in MYPN are known to be pathogenic (PMID: 28017374). This variant is not present in population databases (gnomAD no frequency). This variant has not been reported in the literature in individuals affected with MYPN-related conditions. ClinVar contains an entry for this variant (Variation ID: 2985336). Algorithms developed to predict the effect of sequence changes on RNA splicing suggest that this variant may disrupt the consensus splice site. For these reasons, this variant has been classified as Pathogenic.

Literature cited by the submitters: PubMed 28017374.

NM_032578.4(MYPN):c.1204C>T (p.Gln402Ter)

Gene: MYPN (myopalladin; plus strand). Cytogenetic location: 10q21.3.
Variant type: single nucleotide variant.
Coding change: c.1204C>T on transcript NM_032578.4 (MANE Select); coding-DNA position 1204, C replaced by T.
Protein change: p.Gln402Ter; replaces glutamine 402 with a stop codon.
Molecular consequence: nonsense. On other transcripts: non-coding transcript variant (2).
Genome position (GRCh38, 1-based): chr10:68,148,426, C>T. VCF-style: chr10-68148426-C-T. GRCh37 (hg19) VCF-style: chr10-69908183-C-T.
Other names: c.1204C>T, p.Gln402Ter (NM_001256267.2); c.322C>T, p.Gln108Ter (NM_001256268.2); short protein forms Q402*, Q108*.
Identifiers: ClinVar variation 2985336 (VCV002985336.3), dbSNP rs1187427685, ClinGen allele CA376832157.